The following is an entry in ClinVar:

NM_005560.6(LAMA5):c.7992C>T (p.Tyr2664=)

Gene: LAMA5 (laminin subunit alpha 5; minus strand). Cytogenetic location: 20q13.33.
Variant type: single nucleotide variant.
Coding change: c.7992C>T on transcript NM_005560.6 (MANE Select); coding-DNA position 7992, C replaced by T.
Protein change: p.Tyr2664=; no amino-acid change (tyrosine 2664 retained).
Molecular consequence: synonymous variant.
Genome position (GRCh38, 1-based): chr20:62,315,083, G>A on the plus strand (C>T on the coding strand, the complement: LAMA5 is on the minus strand). VCF-style: chr20-62315083-G-A. GRCh37 (hg19) VCF-style: chr20-60890139-G-A.
Identifiers: ClinVar variation 4534182 (VCV004534182.6).

ClinVar aggregate classification (germline): Likely benign (1 of 4 stars; one submission).

gnomAD v4.1: 32 of 1,603,730 alleles (0.002%); highest among the groups gnomAD compares: African/African-American, 0.0067%; no homozygotes.

Submission:

CeGaT Center for Human Genetics Tuebingen
Classification: Likely benign. Last evaluated: 2025-12-01. Review status: criteria provided, single submitter. Criteria: CeGaT Center For Human Genetics Tuebingen Variant Classification Criteria Version 2. Collection method: clinical testing. Allele origin: germline. Affected: yes. Observed: 1 variant allele.
Comment: LAMA5: BP4, BP7